The following is an entry in ClinVar:

NM_000097.7(CPOX):c.1138C>G (p.Gln380Glu)

Gene: CPOX (coproporphyrinogen oxidase; minus strand). Cytogenetic location: 3q11.2.
Variant type: single nucleotide variant.
Coding change: c.1138C>G on transcript NM_000097.7 (MANE Select); coding-DNA position 1138, C replaced by G.
Protein change: p.Gln380Glu; replaces glutamine 380 with glutamic acid.
Molecular consequence: missense variant.
Genome position (GRCh38, 1-based): chr3:98,585,475, G>C on the plus strand (C>G on the coding strand, the complement: CPOX is on the minus strand). VCF-style: chr3-98585475-G-C. GRCh37 (hg19) VCF-style: chr3-98304319-G-C.
Other names: short protein forms Q380E.
Identifiers: ClinVar variation 901024 (VCV000901024.23), dbSNP rs201231166, ClinGen allele CA2511514.
Genomic context (GRCh38, chr3:98,585,475, plus strand): 5'-AAAGAATTCGTTTTCCAGTCACTTACCGTCCTCTTCTGAGCTGCTGCCACAGCTTCTCCT[G>C]GGGGGTGAATGAGTCATCACAGTGCTTTTTCACAAGGGGAATGTAAGAAGGAACTACAGC-3'
Protein context (NP_000088.3, residues 370-390): KKHCDDSFTP[Gln380Glu]EKLWQQLRRG

ClinVar aggregate classification (germline): Conflicting classifications of pathogenicity. Review status: criteria provided, conflicting classifications (1 of 4 stars). 4 submissions from 4 submitters: Uncertain significance (3); Benign (1). Last evaluated 2025-12-19.

Conditions:
Hereditary coproporphyria (HCP). Also called: Hereditary coproporphyria porphyria; Porphyria hepatica coproporphyria; Porphyria hepatica II; CPRO deficiency; COPROPORPHYRINOGEN OXIDASE DEFICIENCY; CPO DEFICIENCY. Identifiers: Orphanet 79273, MedGen C0162531, MONDO:0007369, OMIM 121300.

Allele frequency attached by ClinVar (database versions not stated): gnomAD 0.00003 and 0.00004; TOPMed 0.00008.

Submissions (4):

Labcorp Genetics (formerly Invitae), Labcorp
Classification: Uncertain significance. Last evaluated: 2025-12-19. Review status: criteria provided, single submitter. Criteria: Invitae Variant Classification Sherloc (09022015). Collection method: clinical testing. Allele origin: germline.
Comment: This sequence change replaces glutamine, which is neutral and polar, with glutamic acid, which is acidic and polar, at codon 380 of the CPOX protein (p.Gln380Glu). This variant is present in population databases (rs201231166, gnomAD 0.04%). This variant has not been reported in the literature in individuals affected with CPOX-related conditions. ClinVar contains an entry for this variant (Variation ID: 901024). Invitae Evidence Modeling of protein sequence and biophysical properties (such as structural, functional, and spatial information, amino acid conservation, physicochemical variation, residue mobility, and thermodynamic stability) indicates that this missense variant is not expected to disrupt CPOX protein function with a negative predictive value of 80%. In summary, the available evidence is currently insufficient to determine the role of this variant in disease. Therefore, it has been classified as a Variant of Uncertain Significance.

CeGaT Center for Human Genetics Tuebingen
Classification: Uncertain significance. Last evaluated: 2025-01-01. Review status: criteria provided, single submitter. Criteria: CeGaT Center For Human Genetics Tuebingen Variant Classification Criteria Version 2. Collection method: clinical testing. Allele origin: germline. Affected: yes. Observed: 1 variant allele.
Comment: CPOX: PM2, BP4

Victorian Clinical Genetics Services, Murdoch Childrens Research Institute
Classification: Uncertain significance for Hereditary coproporphyria. Last evaluated: 2020-07-02. Review status: criteria provided, single submitter. Criteria: ACMG Guidelines, 2015. Collection method: clinical testing. Allele origin: germline. Affected: yes.
Comment: Based on the classification scheme VCGS_Germline_v1.3.2, this variant is classified as VUS-3C. Following criteria are met: 0102 - Loss of function is a known mechanism of disease in this gene and is associated with coproporphyria and harderoporphyria. (I) 0108 - This gene is associated with both recessive and dominant disease. Coporoporphyria is inherited in an autosomal dominant pattern, although homozygotes have also been reported (PMID:11309681). Harderoporphyria is inherited in an autosomal recessive pattern (PMID:21103937). (I) 0112 - The condition associated with this gene has incomplete penetrance. Asymptomatic carrier relatives of heterozygous affected individuals have been described (PMID:11309681). (I) 0200 - Variant is predicted to result in a missense amino acid change from glutamine to glutamic acid. (I) 0251 - This variant is heterozygous. (I) 0302 - Variant is present in gnomAD (v2 and v3) <0.001 for a dominant condition (21 heterozygotes, 0 homozygotes). (SP) 0309 - Two alternative amino acid changes at the same position have been observed in gnomAD (v2) (each with 1 heterozygote). (I) 0503 - Missense variant consistently predicted to be tolerated by multiple in silico tools or not conserved in placental mammals with a minor amino acid change. (SB) 0600 - Variant is located in the annotated coproporphyrinogen III oxidase domain (NCBI Conserved Domain). (I) 0705 - No comparable missense variants have previous evidence for pathogenicity. (I) 0806 - This variant has moderate previous evidence of being benign in unrelated individuals. This variant has been reported as benign once in the context of predisposition screening of ostensibly healthy individuals (ClinVar). (SB) 0905 - No published segregation evidence has been identified for this variant. (I) 1007 - No published functional evidence has been identified for this variant. (I) 1208 - Inheritance information for this variant is not currently available in this individual. (I) Legend: (SP) - Supporting pathogenic, (I) - Information, (SB) - Supporting benign

Illumina Laboratory Services, Illumina
Classification: Benign for Hereditary coproporphyria. Last evaluated: 2018-01-12. Review status: criteria provided, single submitter. Criteria: ICSL Variant Classification Criteria 13 December 2019. Collection method: clinical testing. Allele origin: germline.
Comment: This variant was observed in the ICSL laboratory as part of a predisposition screen in an ostensibly healthy population. It had not been previously curated by ICSL or reported in the Human Gene Mutation Database (HGMD: prior to June 1st, 2018), and was therefore a candidate for classification through an automated scoring system. Utilizing variant allele frequency, disease prevalence and penetrance estimates, and inheritance mode, an automated score was calculated to assess if this variant is too frequent to cause the disease. Based on the score and internal cut-off values, a variant classified as benign is not then subjected to further curation. The score for this variant resulted in a classification of benign for this disease.

Literature cited by the submitters: PubMed 11309681 (cited by Victorian Clinical Genetics Services, Murdoch Childrens Research Institute); PubMed 21103937 (cited by Victorian Clinical Genetics Services, Murdoch Childrens Research Institute).